The following is an entry in ClinVar:

NM_152416.4(NDUFAF6):c.559_563del (p.Tyr187fs)

Gene: NDUFAF6 (NADH:ubiquinone oxidoreductase complex assembly factor 6; plus strand). Cytogenetic location: 8q22.1.
Variant type: Deletion.
Coding change: c.559_563del on transcript NM_152416.4 (MANE Select); coding-DNA positions 559 to 563, 5 bases deleted (TACTT; older notation c.559_563delTACTT).
Protein change: p.Tyr187fs; shifts the reading frame from tyrosine 187.
Molecular consequence: frameshift variant. On other transcripts: non-coding transcript variant (6).
Genome position (GRCh38, 1-based): chr8:95,045,626-95,045,630, TACTT deleted; deleting any 5 consecutive bases within chr8:95,045,623-95,045,630 gives the same sequence; the c. name uses the placement nearest the transcript's 3' end. VCF-style (leftmost placement, unchanged base first): chr8-95045622-TCTTTA-T. GRCh37 (hg19) VCF-style: chr8-96057850-TCTTTA-T.
Other names: c.559_563delTACTT (NM_152416.2, NM_152416.4); c.283_287del, p.Tyr95fs (NM_001330582.2, NM_001354514.2, NM_001354515.2 and 1 more transcripts); c.403_407del, p.Tyr135fs (NM_001354516.2); c.226_230del, p.Tyr76fs (NM_001354517.2, NM_001354518.2, NM_001354519.2 and 1 more transcripts); c.103_107del, p.Tyr35fs (NM_001354522.2, NM_001354524.2, NM_001354525.2 and 7 more transcripts); short protein forms Y135fs, Y187fs, Y76fs, Y95fs, Y35fs.
Identifiers: ClinVar variation 503873 (VCV000503873.8), dbSNP rs765915512, ClinGen allele CA4814838.

ClinVar aggregate classification (germline): Pathogenic. Review status: criteria provided, multiple submitters, no conflicts (2 of 4 stars). 3 submissions from 3 submitters: Pathogenic (3). Last evaluated 2026-10-06.

Conditions:
Mitochondrial complex I deficiency, nuclear type 17. Also called: Mitochondrial complex 1 deficiency, nuclear type 17. Identifiers: MedGen C4748786, MONDO:0032622, OMIM 618239.

Submissions (3):

GeneDx
Classification: Pathogenic. Last evaluated: 2026-10-06. Review status: criteria provided, single submitter. Criteria: GeneDx Variant Classification Process June 2021. Collection method: clinical testing. Allele origin: germline.
Comment: Frameshift variant predicted to result in protein truncation or nonsense mediated decay in a gene for which loss-of-function is a known mechanism of disease; Not observed at significant frequency in large population cohorts (gnomAD); This variant is associated with the following publications: (PMID: 30642748)

Women's Health and Genetics/Laboratory Corporation of America, LabCorp
Classification: Pathogenic for Mitochondrial complex I deficiency, nuclear type 17. Last evaluated: 2024-10-18. Review status: criteria provided, single submitter. Criteria: LabCorp Variant Classification Summary - May 2015. Collection method: clinical testing. Allele origin: germline.
Comment: Variant summary: NDUFAF6 c.559_563delTACTT (p.Tyr187AsnfsX65) results in a premature termination codon, predicted to cause absence of the protein due to nonsense mediated decay, which is a commonly known mechanism for disease. The variant allele was found at a frequency of 2e-05 in 249270 control chromosomes. To our knowledge, no occurrence of c.559_563delTACTT in individuals affected with Mitochondrial Complex 1 Deficiency, Nuclear Type 17 and no experimental evidence demonstrating its impact on protein function have been reported. ClinVar contains an entry for this variant (Variation ID: 503873). Based on the evidence outlined above, the variant was classified as pathogenic.

Juno Genomics, Hangzhou Juno Genomics, Inc
Classification: Pathogenic for Mitochondrial complex I deficiency, nuclear type 17. Review status: criteria provided, single submitter. Criteria: ACMG Guidelines, 2015. Collection method: clinical testing. Allele origin: germline. Affected: yes.
Comment: Absent from controls (or at extremely low frequency if recessive) in Genome Aggregation Database, Exome Sequencing Project, 1000 Genomes Project, or Exome Aggregation Consortium.;Null variant in a gene where loss of function (LOF) is a known mechanism of disease.;For recessive disorders, detected in trans with a pathogenic variant.;Patient's phenotype or family history is highly specific for a disease with a single genetic etiology.